The following is an entry in ClinVar:

ClinVar aggregate classification (germline): Uncertain significance (1 of 4 stars; one submission).

Allele frequency attached by ClinVar (database versions not stated): TOPMed below 0.00001; gnomAD exomes 0.00001.
gnomAD v4.1: 20 of 1,613,022 alleles (0.0012%); highest among the groups gnomAD compares: Non-Finnish European, 0.0017%; no homozygotes.

Submission:

Labcorp Genetics (formerly Invitae), Labcorp
Classification: Uncertain significance. Last evaluated: 2025-08-30. Review status: criteria provided, single submitter. Criteria: Invitae Variant Classification Sherloc (09022015). Collection method: clinical testing. Allele origin: germline.
Comment: This sequence change replaces cysteine, which is neutral and slightly polar, with phenylalanine, which is neutral and non-polar, at codon 75 of the TNNI3K protein (p.Cys75Phe). This variant is not present in population databases (gnomAD no frequency). This variant has not been reported in the literature in individuals affected with TNNI3K-related conditions. ClinVar contains an entry for this variant (Variation ID: 1919723). Invitae Evidence Modeling of protein sequence and biophysical properties (such as structural, functional, and spatial information, amino acid conservation, physicochemical variation, residue mobility, and thermodynamic stability) indicates that this missense variant is not expected to disrupt TNNI3K protein function with a negative predictive value of 80%. In summary, the available evidence is currently insufficient to determine the role of this variant in disease. Therefore, it has been classified as a Variant of Uncertain Significance.

NM_015978.3(TNNI3K):c.224G>T (p.Cys75Phe)

Genes: FPGT-TNNI3K (FPGT-TNNI3K readthrough; plus strand), TNNI3K (TNNI3 interacting kinase; plus strand). Cytogenetic location: 1p31.1.
Variant type: single nucleotide variant.
Coding change: c.224G>T on transcript NM_015978.3 (MANE Select); coding-DNA position 224, G replaced by T.
Protein change: p.Cys75Phe; replaces cysteine 75 with phenylalanine.
Molecular consequence: missense variant.
Genome position (GRCh38, 1-based): chr1:74,249,533, G>T. VCF-style: chr1-74249533-G-T. GRCh37 (hg19) VCF-style: chr1-74715217-G-T.
Other names: c.527G>T, p.Cys176Phe (NM_001112808.3, NM_001199327.2); short protein forms C75F, C176F.
Identifiers: ClinVar variation 1919723 (VCV001919723.5), dbSNP rs1654797621, ClinGen allele CA340788036.
Genomic context (GRCh38, chr1:74,249,533, plus strand): 5'-TCAGTAAAGTCAATTTAAATTACCGCACTGAAAATGGGCTGTCTCTACTTCATTTATGTT[G>T]CATTTGTGGAGGTGAGTACTTGAAACTTAGTACTTCTTAAACTGGTTATATGTGTATATC-3'
Protein context (NP_057062.1, residues 65-85): ENGLSLLHLC[Cys75Phe]ICGGKKSHIR